The following is an entry in ClinVar:

ClinVar aggregate classification (germline): Uncertain significance (1 of 4 stars; one submission).

Conditions:
Epilepsy, idiopathic generalized, susceptibility to, 13. Also called: EPILEPSY, JUVENILE MYOCLONIC, SUSCEPTIBILITY TO, 5. Identifiers: Orphanet 307, Orphanet 64280, MedGen C4013473, MONDO:0012627, OMIM 611136.
Epilepsy, childhood absence 4 (ECA4). Also called: EPILEPSY, CHILDHOOD ABSENCE, SUSCEPTIBILITY TO, 4. Identifiers: Orphanet 307, MedGen C1970160.
Idiopathic generalized epilepsy. Also called: Generalised epilepsy; EIG. Identifiers: MedGen C0270850, MONDO:0005579, OMIM 600669.

Submission:

Labcorp Genetics (formerly Invitae), Labcorp
Classification: Uncertain significance for Epilepsy, childhood absence 4; Epilepsy, idiopathic generalized, susceptibility to, 13; Idiopathic generalized epilepsy. Last evaluated: 2025-10-03. Review status: criteria provided, single submitter. Criteria: Invitae Variant Classification Sherloc (09022015). Collection method: clinical testing. Allele origin: germline.
Comment: This sequence change replaces proline, which is neutral and non-polar, with histidine, which is basic and polar, at codon 409 of the GABRA1 protein (p.Pro409His). This variant is not present in population databases (gnomAD no frequency). This variant has not been reported in the literature in individuals affected with GABRA1-related conditions. Invitae Evidence Modeling of protein sequence and biophysical properties (such as structural, functional, and spatial information, amino acid conservation, physicochemical variation, residue mobility, and thermodynamic stability) has been performed for this missense variant. However, the output from this modeling did not meet the statistical confidence thresholds required to predict the impact of this variant on GABRA1 protein function. In summary, the available evidence is currently insufficient to determine the role of this variant in disease. Therefore, it has been classified as a Variant of Uncertain Significance.

NM_001127644.2(GABRA1):c.1226C>A (p.Pro409His)

Gene: GABRA1 (gamma-aminobutyric acid type A receptor subunit alpha1; plus strand). Cytogenetic location: 5q34.
Variant type: single nucleotide variant.
Coding change: c.1226C>A on transcript NM_001127644.2 (MANE Select); coding-DNA position 1226, C replaced by A.
Protein change: p.Pro409His; replaces proline 409 with histidine.
Molecular consequence: missense variant.
Genome position (GRCh38, 1-based): chr5:161,897,277, C>A. VCF-style: chr5-161897277-C-A. GRCh37 (hg19) VCF-style: chr5-161324283-C-A.
Other names: c.1226C>A, p.Pro409His (NM_000806.5, NM_001127643.2, NM_001127645.2 and 1 more transcripts); short protein forms P409H.
Identifiers: ClinVar variation 4789493 (VCV004789493.1).
Genomic context (GRCh38, chr5:161,897,277, plus strand): 5'-TTGCTAAAAGTGCAACCATAGAACCTAAAGAGGTCAAGCCCGAAACAAAACCACCAGAAC[C>A]CAAGAAAACCTTTAACAGTGTCAGCAAAATTGACCGACTGTCAAGAATAGCCTTCCCGCT-3'
Protein context (NP_001121116.1, residues 399-419): EVKPETKPPE[Pro409His]KKTFNSVSKI